The following is an entry in ClinVar:

ClinVar aggregate classification (germline): Uncertain significance. Review status: criteria provided, multiple submitters, no conflicts (2 of 4 stars). 3 submissions from 3 submitters: Uncertain significance (3). Last evaluated 2025-10-23.

Conditions:
Connective tissue disorder. Also called: Connective tissue disease. Identifiers: MedGen C0009782, MONDO:0003900.
Inborn genetic diseases. Identifiers: MedGen C0950123, MeSH D030342.

Allele frequency attached by ClinVar (database versions not stated): gnomAD 0.00003 and 0.00004; gnomAD exomes 0.00004 and 0.00001; TOPMed 0.00005.
gnomAD v4.1: 65 of 1,613,992 alleles (0.004%); highest among the groups gnomAD compares: Non-Finnish European, 0.0051%; no homozygotes.

Submissions (3):

Ambry Genetics
Classification: Uncertain significance for Inborn genetic diseases. Last evaluated: 2025-10-23. Review status: criteria provided, single submitter. Criteria: Ambry Variant Classification Scheme 2023. Collection method: clinical testing. Allele origin: germline.

Labcorp Genetics (formerly Invitae), Labcorp
Classification: Uncertain significance. Last evaluated: 2021-09-17. Review status: criteria provided, single submitter. Criteria: Invitae Variant Classification Sherloc (09022015). Collection method: clinical testing. Allele origin: germline.
Comment: This sequence change replaces arginine with lysine at codon 1029 of the LIFR protein (p.Arg1029Lys). The arginine residue is highly conserved and there is a small physicochemical difference between arginine and lysine. This variant is not present in population databases (ExAC no frequency). This variant has not been reported in the literature in individuals with LIFR-related conditions. Algorithms developed to predict the effect of missense changes on protein structure and function are either unavailable or do not agree on the potential impact of this missense change (SIFT: "Tolerated"; PolyPhen-2: "Possibly Damaging"; Align-GVGD: "Class C0"). In summary, the available evidence is currently insufficient to determine the role of this variant in disease. Therefore, it has been classified as a Variant of Uncertain Significance.

Genome Diagnostics Laboratory, The Hospital for Sick Children
Classification: Uncertain significance for Connective tissue disorder. Last evaluated: 2021-05-12. Review status: criteria provided, single submitter. Criteria: ACMG Guidelines, 2015. Collection method: clinical testing. Allele origin: germline.

NM_001127671.2(LIFR):c.3086G>A (p.Arg1029Lys)

Gene: LIFR (LIF receptor subunit alpha; minus strand). Cytogenetic location: 5p13.1.
Variant type: single nucleotide variant.
Coding change: c.3086G>A on transcript NM_001127671.2 (MANE Select); coding-DNA position 3086, G replaced by A.
Protein change: p.Arg1029Lys; replaces arginine 1029 with lysine.
Molecular consequence: missense variant.
Genome position (GRCh38, 1-based): chr5:38,481,803, C>T on the plus strand (G>A on the coding strand, the complement: LIFR is on the minus strand). VCF-style: chr5-38481803-C-T. GRCh37 (hg19) VCF-style: chr5-38481905-C-T.
Other names: c.3086G>A, p.Arg1029Lys (NM_001364297.2, NM_002310.6); c.3053G>A, p.Arg1018Lys (NM_001364298.2); short protein forms R1018K, R1029K.
Identifiers: ClinVar variation 1702460 (VCV001702460.6), dbSNP rs1012911330, ClinGen allele CA117134102.
Genomic context (GRCh38, chr5:38,481,803, plus strand): 5'-TCTATGGATCTAGGAGAGTCTGGAGACACTAAATTCCATGTATTTACATTGGCCTGAGGT[C>T]TGTAACCCGCAGTTTTATCTAAGTCCTCTTCTGCAGCTATATCTTCCACAGTAGAATTAA-3'
Protein context (NP_001121143.1, residues 1019-1039): EEDLDKTAGY[Arg1029Lys]PQANVNTWNL